The following is an entry in ClinVar:

NM_144596.4(TTC8):c.910-1G>A

Gene: TTC8 (tetratricopeptide repeat domain 8; plus strand). Cytogenetic location: 14q31.3.
Variant type: single nucleotide variant.
Coding change: c.910-1G>A on transcript NM_144596.4 (MANE Select); the canonical splice acceptor site of the intron before coding-DNA position 910, G replaced by A.
Molecular consequence: splice acceptor variant.
Genome position (GRCh38, 1-based): chr14:88,870,058, G>A. VCF-style: chr14-88870058-G-A. GRCh37 (hg19) VCF-style: chr14-89336402-G-A.
Other names: c.316-1G>A (NM_001288782.1); c.958-1G>A (NM_001288781.1); c.880-1G>A (NM_198309.3, NM_001366535.2); c.193-1G>A (NM_001288783.1); c.790-1G>A (NM_198310.3, NM_001366536.2).
Identifiers: ClinVar variation 1066311 (VCV001066311.9), dbSNP rs2141033061, ClinGen allele CA390549135.

ClinVar aggregate classification (germline): Likely pathogenic (1 of 4 stars; one submission).

Conditions:
Bardet-Biedl syndrome (BBS). Identifiers: Orphanet 110, MedGen C0752166, MONDO:0015229.

Allele frequency attached by ClinVar (database versions not stated): gnomAD exomes below 0.00001.

Submission:

Labcorp Genetics (formerly Invitae), Labcorp
Classification: Likely pathogenic for Bardet-Biedl syndrome. Last evaluated: 2025-05-28. Review status: criteria provided, single submitter. Criteria: Invitae Variant Classification Sherloc (09022015). Collection method: clinical testing. Allele origin: germline.
Comment: This sequence change affects an acceptor splice site in intron 10 of the TTC8 gene. It is expected to disrupt RNA splicing. Variants that disrupt the donor or acceptor splice site typically lead to a loss of protein function (PMID: 16199547), and loss-of-function variants in TTC8 are known to be pathogenic (PMID: 16308660, 16877420, 19797195, 21052717, 30886724). This variant is not present in population databases (gnomAD no frequency). This variant has not been reported in the literature in individuals affected with TTC8-related conditions. ClinVar contains an entry for this variant (Variation ID: 1066311). Algorithms developed to predict the effect of sequence changes on RNA splicing suggest that this variant may disrupt the consensus splice site. In summary, the currently available evidence indicates that the variant is pathogenic, but additional data are needed to prove that conclusively. Therefore, this variant has been classified as Likely Pathogenic.

Literature cited by the submitters: PubMed 16199547; PubMed 16308660; PubMed 16877420; PubMed 19797195; PubMed 21052717; PubMed 30886724.